The following is an entry in ClinVar:

NM_004715.5(CTDP1):c.198C>G (p.Ser66=)

Gene: CTDP1 (CTD phosphatase 1; plus strand). Cytogenetic location: 18q23.
Variant type: single nucleotide variant.
Coding change: c.198C>G on transcript NM_004715.5 (MANE Select); coding-DNA position 198, C replaced by G.
Protein change: p.Ser66=; no amino-acid change (serine 66 retained).
Molecular consequence: synonymous variant.
Genome position (GRCh38, 1-based): chr18:79,680,145, C>G. VCF-style: chr18-79680145-C-G. GRCh37 (hg19) VCF-style: chr18-77440145-C-G.
Other names: c.198C>G, p.Ser66= (NM_001318511.2, NM_048368.4).
Identifiers: ClinVar variation 4999948 (VCV004999948.1).

ClinVar aggregate classification (germline): Likely benign (1 of 4 stars; one submission).

Conditions:
CTDP1-related disorder. Also called: CTDP1-related condition.

Submission:

PreventionGenetics, part of Exact Sciences
Classification: Likely benign for CTDP1-related condition. Last evaluated: 2025-05-28. Review status: criteria provided, single submitter. Criteria: ACMG Guidelines, 2015. Collection method: clinical testing. Allele origin: germline.
Comment: This variant is classified as likely benign based on ACMG/AMP sequence variant interpretation guidelines (Richards et al. 2015 PMID: 25741868, with internal and published modifications).